The following is an entry in ClinVar:

NM_003612.5(SEMA7A):c.1944C>T (p.Ala648=)

Gene: SEMA7A (semaphorin 7A (JohnMiltonHagen blood group); minus strand). Cytogenetic location: 15q24.1.
Variant type: single nucleotide variant.
Coding change: c.1944C>T on transcript NM_003612.5 (MANE Select); coding-DNA position 1944, C replaced by T.
Protein change: p.Ala648=; no amino-acid change (alanine 648 retained).
Molecular consequence: synonymous variant.
Genome position (GRCh38, 1-based): chr15:74,410,681, G>A on the plus strand (C>T on the coding strand, the complement: SEMA7A is on the minus strand). VCF-style: chr15-74410681-G-A. GRCh37 (hg19) VCF-style: chr15-74703022-G-A.
Other names: c.1902C>T, p.Ala634= (NM_001146029.3); c.1449C>T, p.Ala483= (NM_001146030.3).
Identifiers: ClinVar variation 3059310 (VCV003059310.2), dbSNP rs2075592, ClinGen allele CA7656733.
Genomic context (GRCh38, chr15:74,410,681, plus strand): 5'-GCCCTAGTGGACCAGCAAGCCAAGAGTGAGTGTGGGCAGCACCCCCAGCCAGAGGGAGGC[G>A]GCCAGGGCACAGGCATGACCCAGCAGGTGCTCGGCCATGATGCCGTCCTCGGGCAGCAGC-3'
Protein context (NP_003603.1, residues 638-658): EHLLGHACAL[Ala648=]ASLWLGVLPT

ClinVar aggregate classification (germline): Benign (0 of 4 stars; one submission).

Conditions:
SEMA7A-related disorder. Also called: SEMA7A-related condition.

Allele frequency attached by ClinVar (database versions not stated): gnomAD exomes 0.06308; ExAC 0.09168; gnomAD 0.13593; ESP Exome Variant Server 0.13891; TOPMed 0.14058; 1000 Genomes Project 0.18171; 1000 Genomes Project 30x 0.18395.
gnomAD v4.1: 113,342 of 1,609,660 alleles (7%); highest among the groups gnomAD compares: African/African-American, 33%; 7,574 homozygotes.

Submission:

PreventionGenetics, part of Exact Sciences
Classification: Benign for SEMA7A-related condition. Last evaluated: 2019-10-24. Review status: no assertion criteria provided. Collection method: clinical testing. Allele origin: germline.
Comment: This variant is classified as benign based on ACMG/AMP sequence variant interpretation guidelines (Richards et al. 2015 PMID: 25741868, with internal and published modifications).